The following is an entry in ClinVar:

ClinVar aggregate classification (germline): Benign/Likely benign. Review status: criteria provided, multiple submitters, no conflicts (2 of 4 stars). 7 submissions from 7 submitters: Benign (5); Likely benign (2). Last evaluated 2026-02-04.

Conditions:
Primary ciliary dyskinesia. Also called: Ciliary dyskinesia. Identifiers: Orphanet 244, MedGen C0008780, MONDO:0016575, HP:0012265.

Allele frequency attached by ClinVar (database versions not stated): ESP Exome Variant Server 0.00024; gnomAD 0.00628 and 0.00856; TOPMed 0.00981; ExAC 0.01783; gnomAD exomes 0.01792; 1000 Genomes Project 30x 0.03498; 1000 Genomes Project 0.03774.
gnomAD v4.1: 10,825 of 1,613,628 alleles (0.67%); highest among the groups gnomAD compares: East Asian, 18%; 842 homozygotes.

Submissions (7):

Labcorp Genetics (formerly Invitae), Labcorp
Classification: Benign for Primary ciliary dyskinesia. Last evaluated: 2026-02-04. Review status: criteria provided, single submitter. Criteria: Invitae Variant Classification Sherloc (09022015). Collection method: clinical testing. Allele origin: germline.

Blueprint Genetics
Classification: Likely benign. Last evaluated: 2024-11-27. Review status: criteria provided, single submitter. Criteria: ACMG Guidelines, 2015. Collection method: clinical testing. Allele origin: germline.

Mayo Clinic Laboratories, Mayo Clinic
Classification: Benign. Last evaluated: 2024-04-13. Review status: criteria provided, single submitter. Criteria: ACMG Guidelines, 2015. Collection method: clinical testing. Allele origin: germline. Observed: 3 variant alleles.

GeneDx
Classification: Benign. Last evaluated: 2019-08-26. Review status: criteria provided, single submitter. Criteria: GeneDx Variant Classification Process June 2021. Collection method: clinical testing. Allele origin: germline. Affected: yes.

Laboratory for Molecular Medicine, Mass General Brigham Personalized Medicine
Classification: Benign. Last evaluated: 2013-02-21. Review status: criteria provided, single submitter. Criteria: LMM Criteria. Collection method: clinical testing. Allele origin: germline. Observed: 2 variant alleles.
Comment: Ala2039Ala in exon 36 of DNAH11: This variant is not expected to have clinical s ignificance because it does not alter an amino acid residue and is not located w ithin the splice consensus sequence. It has been identified in 24.0% (48/200) of Han Chinese chromosomes from a broad population by the 1000 Genomes Project (dbSNP rs78763603).

Breakthrough Genomics
Classification: Likely benign. Review status: criteria provided, single submitter. Criteria: ACMG Guidelines, 2015. Collection method: not provided. Allele origin: germline. Inheritance: Autosomal recessive inheritance. Affected: yes.

PreventionGenetics, part of Exact Sciences
Classification: Benign. Review status: criteria provided, single submitter. Criteria: ACMG Guidelines, 2015. Collection method: clinical testing. Allele origin: germline.

NM_001277115.2(DNAH11):c.6117G>A (p.Ala2039=)

Gene: DNAH11 (dynein axonemal heavy chain 11; plus strand). Cytogenetic location: 7p15.3.
Variant type: single nucleotide variant.
Coding change: c.6117G>A on transcript NM_001277115.2 (MANE Select); coding-DNA position 6117, G replaced by A.
Protein change: p.Ala2039=; no amino-acid change (alanine 2039 retained).
Molecular consequence: synonymous variant.
Genome position (GRCh38, 1-based): chr7:21,698,150, G>A. VCF-style: chr7-21698150-G-A. GRCh37 (hg19) VCF-style: chr7-21737768-G-A.
Other names: p.Ala2039=.
Identifiers: ClinVar variation 226587 (VCV000226587.23), dbSNP rs78763603, ClinGen allele CA4180690.
Genomic context (GRCh38, chr7:21,698,150, plus strand): 5'-GGCCCCTGACATTGAGCTAATCTGTGAAATCTTGTTAGTTGCTGAAGGTTTTGTGGATGC[G>A]CGTGCATTAGCCCGAAAGTTCATTACGTTGTACACGCTTTGCAAGGAGCTTCTCTCCAAG-3'
Protein context (NP_001264044.1, residues 2029-2049): ILLVAEGFVD[Ala2039=]RALARKFITL